The following is an entry in ClinVar:

ClinVar aggregate classification (germline): Uncertain significance (1 of 4 stars; one submission).

Submission:

Labcorp Genetics (formerly Invitae), Labcorp
Classification: Uncertain significance. Last evaluated: 2024-02-23. Review status: criteria provided, single submitter. Criteria: Invitae Variant Classification Sherloc (09022015). Collection method: clinical testing. Allele origin: germline.
Comment: This variant, c.2209_2211dup, results in the insertion of 1 amino acid(s) of the BRD4 protein (Splice site), but otherwise preserves the integrity of the reading frame. This variant is not present in population databases (gnomAD no frequency). This variant has not been reported in the literature in individuals affected with BRD4-related conditions. Algorithms developed to predict the effect of sequence changes on RNA splicing suggest that this variant may disrupt the consensus splice site. In summary, the available evidence is currently insufficient to determine the role of this variant in disease. Therefore, it has been classified as a Variant of Uncertain Significance.

NM_001379291.1(BRD4):c.2206AAG[3] (p.Lys737_His738insLys)

Gene: BRD4 (bromodomain containing 4; minus strand). Cytogenetic location: 19p13.12.
Variant type: Microsatellite.
Coding change: c.2206AAG[3] on transcript NM_001379291.1 (MANE Select); three copies in a row of the 3-base unit AAG starting at c.2206; the reference has two copies in a row; one copy, 3 bases duplicated.
Protein change: p.Lys737_His738insLys.
Genome position (GRCh38, 1-based): chr19:15,244,710-15,244,712, CTT duplicated on the plus strand (AAG on the coding strand, the reverse complement: BRD4 is on the minus strand); duplicating any 3 consecutive bases within chr19:15,244,710-15,244,717 gives the same sequence; the position shown is the placement nearest the transcript's 3' end. VCF-style (leftmost placement, unchanged base first): chr19-15244709-C-CCTT. GRCh37 (hg19) VCF-style: chr19-15355520-C-CCTT.
Other names: c.2206AAG[3], p.Lys737_His738insLys (NM_058243.3).
Identifiers: ClinVar variation 3702179 (VCV003702179.2).